The following is an entry in ClinVar:

ClinVar aggregate classification (germline): Uncertain significance (1 of 4 stars; one submission).

Submission:

Greenwood Genetic Center Diagnostic Laboratories, Greenwood Genetic Center
Classification: Uncertain significance. Last evaluated: 2021-01-28. Review status: criteria provided, single submitter. Criteria: ACMG Guidelines, 2015. Collection method: clinical testing. Allele origin: germline. Affected: yes.
Comment: PM2

NM_004104.5(FASN):c.4994T>C (p.Val1665Ala)

Gene: FASN (fatty acid synthase; minus strand). Cytogenetic location: 17q25.3.
Variant type: single nucleotide variant.
Coding change: c.4994T>C on transcript NM_004104.5 (MANE Select); coding-DNA position 4994, T replaced by C.
Protein change: p.Val1665Ala; replaces valine 1665 with alanine.
Molecular consequence: missense variant.
Genome position (GRCh38, 1-based): chr17:82,084,079, A>G on the plus strand (T>C on the coding strand, the complement: FASN is on the minus strand). VCF-style: chr17-82084079-A-G. GRCh37 (hg19) VCF-style: chr17-80041955-A-G.
Other names: short protein forms V1665A.
Identifiers: ClinVar variation 1331668 (VCV001331668.4), dbSNP rs2144787060, ClinGen allele CA401541481.